The following is an entry in ClinVar:

NM_004183.4(BEST1):c.17C>A (p.Thr6Lys)

Gene: BEST1 (bestrophin 1; plus strand). Cytogenetic location: 11q12.3.
Variant type: single nucleotide variant.
Coding change: c.17C>A on transcript NM_004183.4 (MANE Select); coding-DNA position 17, C replaced by A.
Protein change: p.Thr6Lys; replaces threonine 6 with lysine.
Molecular consequence: missense variant. On other transcripts: non-coding transcript variant (1), intron variant (6).
Genome position (GRCh38, 1-based): chr11:61,951,823, C>A. VCF-style: chr11-61951823-C-A. GRCh37 (hg19) VCF-style: chr11-61719295-C-A.
Other names: c.17C>A, p.Thr6Lys (NM_001363592.2, NM_001440571.1, NM_001440572.1 and 1 more transcripts); c.-29+1396C>A (NM_001139443.3, NM_001300787.2, NM_001440574.1 and 3 more transcripts); short protein forms T6K.
Identifiers: ClinVar variation 1709319 (VCV001709319.6), dbSNP rs281865204, ClinGen allele CA380830946.

ClinVar aggregate classification (germline): Pathogenic/Likely pathogenic. Review status: criteria provided, multiple submitters, no conflicts (2 of 4 stars). 3 submissions from 3 submitters: Pathogenic (1); Likely pathogenic (2). Last evaluated 2024-03-04.

Conditions:
Retinal dystrophy. Also called: Inherited retinal dystrophy. Identifiers: Orphanet 71862, MedGen C0854723, MeSH D058499, MONDO:0019118, HP:0000556.
Vitelliform macular dystrophy 2. Also called: Best Macular Dystrophy; VITELLIFORM MACULAR DYSTROPHY, EARLY-ONSET; VITELLIFORM MACULAR DYSTROPHY, JUVENILE-ONSET; Best Vitelliform Macular Dystrophy (BVMD); MACULAR DEGENERATION, POLYMORPHIC VITELLINE; Best vitelliform macular dystrophy, multifocal. Identifiers: Orphanet 1243, MedGen C2745945, MONDO:0007931, OMIM 153700.

Submissions (3):

Labcorp Genetics (formerly Invitae), Labcorp
Classification: Likely pathogenic. Last evaluated: 2024-03-04. Review status: criteria provided, single submitter. Criteria: Invitae Variant Classification Sherloc (09022015). Collection method: clinical testing. Allele origin: germline.
Comment: This sequence change replaces threonine, which is neutral and polar, with lysine, which is basic and polar, at codon 6 of the BEST1 protein (p.Thr6Lys). This variant is not present in population databases (gnomAD no frequency). This missense change has been observed in individual(s) with vitelliform macular dystrophy (PMID: 21273940, 32278767). ClinVar contains an entry for this variant (Variation ID: 1709319). Advanced modeling of protein sequence and biophysical properties (such as structural, functional, and spatial information, amino acid conservation, physicochemical variation, residue mobility, and thermodynamic stability) performed at Invitae indicates that this missense variant is expected to disrupt BEST1 protein function with a positive predictive value of 95%. This variant disrupts the p.Thr6 amino acid residue in BEST1. Other variant(s) that disrupt this residue have been determined to be pathogenic (PMID: 17477921, 17591911; Invitae). This suggests that this residue is clinically significant, and that variants that disrupt this residue are likely to be disease-causing. In summary, the currently available evidence indicates that the variant is pathogenic, but additional data are needed to prove that conclusively. Therefore, this variant has been classified as Likely Pathogenic.

MGZ Medical Genetics Center
Classification: Likely pathogenic for Vitelliform macular dystrophy 2. Last evaluated: 2022-03-29. Review status: criteria provided, single submitter. Criteria: ACMG Guidelines, 2015. Collection method: clinical testing. Allele origin: germline. Affected: yes. Observed: 1 variant allele.
Comment: ACMG criteria applied: PM1, PM5, PM2_SUP, PP3

Institute of Human Genetics, Univ. Regensburg, Univ. Regensburg
Classification: Pathogenic for Retinal dystrophy. Last evaluated: 2018-01-01. Review status: criteria provided, single submitter. Criteria: ACMG Guidelines, 2015. Collection method: clinical testing. Allele origin: germline. Affected: yes.

Literature cited by the submitters: PubMed 21273940 (cited by Labcorp Genetics (formerly Invitae), Labcorp and Institute of Human Genetics, Univ. Regensburg, Univ. Regensburg); PubMed 32278767 (cited by Labcorp Genetics (formerly Invitae), Labcorp); PubMed 17477921 (cited by Labcorp Genetics (formerly Invitae), Labcorp); PubMed 17591911 (cited by Labcorp Genetics (formerly Invitae), Labcorp); PubMed 2868784 (cited by Institute of Human Genetics, Univ. Regensburg, Univ. Regensburg).